The following is an entry in ClinVar:

NM_000271.5(NPC1):c.3612dup (p.Thr1205fs)

Gene: NPC1 (NPC intracellular cholesterol transporter 1; minus strand). Cytogenetic location: 18q11.2.
Variant type: Duplication.
Coding change: c.3612dup on transcript NM_000271.5 (MANE Select); coding-DNA position 3612, one base duplicated (T; older notation c.3612dupT).
Protein change: p.Thr1205fs; shifts the reading frame from threonine 1205.
Molecular consequence: frameshift variant.
Genome position (GRCh38, 1-based): chr18:23,533,497, A duplicated on the plus strand (T on the coding strand, the reverse complement: NPC1 is on the minus strand); the first of 2 consecutive A bases (chr18:23,533,497-23,533,498); duplicating either gives the same sequence. VCF-style (leftmost placement, unchanged base first): chr18-23533496-T-TA. GRCh37 (hg19) VCF-style: chr18-21113460-T-TA.
Other names: short protein forms T1205fs.
Identifiers: ClinVar variation 1451328 (VCV001451328.6), dbSNP rs2145336359, ClinGen allele CA2573155184.

ClinVar aggregate classification (germline): Pathogenic (1 of 4 stars; one submission).

Conditions:
Niemann-Pick disease, type C1. Also called: NIEMANN-PICK DISEASE, VARIANT TYPE C1; NEUROVISCERAL STORAGE DISEASE WITH VERTICAL SUPRANUCLEAR OPHTHALMOPLEGIA; NIEMANN-PICK DISEASE WITH CHOLESTEROL ESTERIFICATION BLOCK; NIEMANN-PICK DISEASE WITHOUT SPHINGOMYELINASE DEFICIENCY; NIEMANN-PICK DISEASE, CHRONIC NEURONOPATHIC FORM. Identifiers: Orphanet 646, MedGen C3179455, MONDO:0009757, OMIM 257220.

Submission:

Labcorp Genetics (formerly Invitae), Labcorp
Classification: Pathogenic for Niemann-Pick disease, type C1. Last evaluated: 2021-11-15. Review status: criteria provided, single submitter. Criteria: Invitae Variant Classification Sherloc (09022015). Collection method: clinical testing. Allele origin: germline.
Comment: For these reasons, this variant has been classified as Pathogenic. This variant disrupts a region of the NPC1 protein in which other variant(s) (p.Val1212Leu) have been determined to be pathogenic (PMID: 15774455, 22326530, 22476655, 24915861). This suggests that this is a clinically significant region of the protein, and that variants that disrupt it are likely to be disease-causing. This variant has not been reported in the literature in individuals affected with NPC1-related conditions. This variant is not present in population databases (gnomAD no frequency). This sequence change creates a premature translational stop signal (p.Thr1205Tyrfs*53) in the NPC1 gene. While this is not anticipated to result in nonsense mediated decay, it is expected to disrupt the last 74 amino acid(s) of the NPC1 protein.

Literature cited by the submitters: PubMed 15774455; PubMed 22326530; PubMed 22476655; PubMed 24915861.